The following is an entry in ClinVar:

ClinVar aggregate classification (germline): Likely benign (1 of 4 stars; one submission).

Allele frequency attached by ClinVar (database versions not stated): TOPMed 0.00092; 1000 Genomes Project 30x 0.00094; 1000 Genomes Project 0.00100; gnomAD 0.00121; ESP Exome Variant Server 0.00131; ExAC 0.00210.
gnomAD v4.1: 2,388 of 1,614,206 alleles (0.15%); highest among the groups gnomAD compares: South Asian, 0.73%; 7 homozygotes.

Submission:

CeGaT Center for Human Genetics Tuebingen
Classification: Likely benign. Last evaluated: 2022-11-01. Review status: criteria provided, single submitter. Criteria: CeGaT Center For Human Genetics Tuebingen Variant Classification Criteria Version 2. Collection method: clinical testing. Allele origin: germline. Affected: yes. Observed: 1 variant allele.
Comment: UST: BP4, BP7

NM_005715.3(UST):c.1089A>G (p.Gly363=)

Genes: UST (uronyl 2-sulfotransferase; plus strand), LOC126859826 (BRD4-independent group 4 enhancer GRCh37_chr6:149394281-149395480; plus strand). Cytogenetic location: 6q25.1.
Variant type: single nucleotide variant.
Coding change: c.1089A>G on transcript NM_005715.3 (MANE Select); coding-DNA position 1089, A replaced by G.
Protein change: p.Gly363=; no amino-acid change (glycine 363 retained).
Molecular consequence: synonymous variant.
Genome position (GRCh38, 1-based): chr6:149,073,984, A>G. VCF-style: chr6-149073984-A-G. GRCh37 (hg19) VCF-style: chr6-149395120-A-G.
Identifiers: ClinVar variation 2656988 (VCV002656988.24), dbSNP rs141136305, ClinGen allele CA4041271.